The following is an entry in ClinVar:

NM_015443.4(KANSL1):c.1347G>A (p.Trp449Ter)

Gene: KANSL1 (KAT8 regulatory NSL complex subunit 1). Cytogenetic location: 17q21.31.
Variant type: single nucleotide variant.
Coding change: c.1347G>A on transcript NM_015443.4 (MANE Select); coding-DNA position 1347, G replaced by A.
Protein change: p.Trp449Ter; replaces tryptophan 449 with a stop codon.
Molecular consequence: nonsense.
Genome position (GRCh38, 1-based): chr17:46,094,644, C>T on the plus strand (G>A on the coding strand, the complement: KANSL1 is on the minus strand). VCF-style: chr17-46094644-C-T. GRCh37 (hg19) VCF-style: chr17-44172010-C-T.
Other names: c.1347G>A, p.Trp449Ter (NM_001193465.2, NM_001193466.2, NM_001379198.1); short protein forms W449*.
Identifiers: ClinVar variation 1687601 (VCV001687601.2), dbSNP rs2146947345, ClinGen allele CA399996685.

ClinVar aggregate classification (germline): Likely pathogenic. Review status: criteria provided, multiple submitters, no conflicts (2 of 4 stars). 2 submissions from 2 submitters: Likely pathogenic (2). Last evaluated 2025-09-10.

Conditions:
Koolen-de Vries syndrome (KDVS). Identifiers: Orphanet 96169, MedGen C1864871, MONDO:0012496, OMIM 610443.

Submissions (2):

Genomic Medicine Center of Excellence, King Faisal Specialist Hospital and Research Centre
Classification: Likely pathogenic for Koolen-de Vries syndrome. Last evaluated: 2025-09-10. Review status: criteria provided, single submitter. Criteria: ACMG Guidelines, 2015. Collection method: clinical testing. Allele origin: germline.

3billion
Classification: Likely pathogenic for Koolen-de Vries syndrome. Last evaluated: 2022-05-22. Review status: criteria provided, single submitter. Criteria: ACMG Guidelines, 2015. Collection method: clinical testing. Allele origin: germline. Affected: yes. Observed: 1 heterozygote.
Comment: The variant is not observed in the gnomAD v2.1.1 dataset. Stop-gained (nonsense): predicted to result in a loss or disruption of normal protein function through nonsense-mediated decay (NMD) or protein truncation. Multiple pathogenic variants are reported downstream of the variant. Therefore, this variant is classified as likely pathogenic according to the recommendation of ACMG/AMP guideline.